The following is an entry in ClinVar:

NM_000179.3(MSH6):c.1025C>A (p.Ala342Asp)

Gene: MSH6 (mutS homolog 6; plus strand). Cytogenetic location: 2p16.3.
Variant type: single nucleotide variant.
Coding change: c.1025C>A on transcript NM_000179.3 (MANE Select); coding-DNA position 1025, C replaced by A.
Protein change: p.Ala342Asp; replaces alanine 342 with aspartic acid.
Molecular consequence: missense variant. On other transcripts: non-coding transcript variant (4), intron variant (1).
Genome position (GRCh38, 1-based): chr2:47,799,008, C>A. VCF-style: chr2-47799008-C-A. GRCh37 (hg19) VCF-style: chr2-48026147-C-A.
Other names: c.635C>A, p.Ala212Asp (NM_001281492.2); c.119C>A, p.Ala40Asp (NM_001281493.2, NM_001281494.2, NM_001406811.1 and 6 more transcripts); c.1121C>A, p.Ala374Asp (NM_001406795.1, NM_001406802.1); c.1025C>A, p.Ala342Asp (NM_001406796.1, NM_001406798.1, NM_001406800.1 and 4 more transcripts); c.728C>A, p.Ala243Asp (NM_001406797.1, NM_001406801.1, NM_001406805.1 and 10 more transcripts); c.500C>A, p.Ala167Asp (NM_001406799.1, NM_001406806.1, NM_001406807.1); c.947C>A, p.Ala316Asp (NM_001406804.1); c.1031C>A, p.Ala344Asp (NM_001406813.1); and 2 more; short protein forms A167D, A243D, A286D, A212D, A344D, A40D, A316D, A342D.
Identifiers: ClinVar variation 3398864 (VCV003398864.1).

ClinVar aggregate classification (germline): Uncertain significance (1 of 4 stars; one submission).

Conditions:
Hereditary cancer-predisposing syndrome. Also called: Hereditary Cancer Syndrome; Tumor predisposition; Hereditary neoplastic syndrome; Neoplastic Syndromes, Hereditary. Identifiers: Orphanet 140162, MedGen C0027672, MeSH D009386, MONDO:0015356.

Submission:

Ambry Genetics
Classification: Uncertain significance for Hereditary cancer-predisposing syndrome. Last evaluated: 2024-07-12. Review status: criteria provided, single submitter. Criteria: Ambry Variant Classification Scheme 2023. Collection method: clinical testing. Allele origin: germline.
Comment: The p.A342D variant (also known as c.1025C>A), located in coding exon 4 of the MSH6 gene, results from a C to A substitution at nucleotide position 1025. The alanine at codon 342 is replaced by aspartic acid, an amino acid with dissimilar properties. This amino acid position is well conserved in available vertebrate species. In addition, the in silico prediction for this alteration is inconclusive. Based on the available evidence, the clinical significance of this variant remains unclear.